The following is an entry in ClinVar:

ClinVar aggregate classification (germline): Uncertain significance (1 of 4 stars; one submission).

Submission:

Ambry Genetics
Classification: Uncertain significance. Last evaluated: 2022-11-05. Review status: criteria provided, single submitter. Criteria: Ambry Variant Classification Scheme 2023. Collection method: clinical testing. Allele origin: germline.
Comment: The p.T731I variant (also known as c.2192C>T), located in coding exon 20 of the PRKDC gene, results from a C to T substitution at nucleotide position 2192. The threonine at codon 731 is replaced by isoleucine, an amino acid with similar properties. This amino acid position is conserved. In addition, this alteration is predicted to be tolerated by in silico analysis. Since supporting evidence is limited at this time, the clinical significance of this alteration remains unclear.

NM_006904.7(PRKDC):c.2192C>T (p.Thr731Ile)

Gene: PRKDC (protein kinase, DNA-activated, catalytic subunit; minus strand). Cytogenetic location: 8q11.21.
Variant type: single nucleotide variant.
Coding change: c.2192C>T on transcript NM_006904.7 (MANE Select); coding-DNA position 2192, C replaced by T.
Protein change: p.Thr731Ile; replaces threonine 731 with isoleucine.
Molecular consequence: missense variant.
Genome position (GRCh38, 1-based): chr8:47,927,838, G>A on the plus strand (C>T on the coding strand, the complement: PRKDC is on the minus strand). VCF-style: chr8-47927838-G-A. GRCh37 (hg19) VCF-style: chr8-48840398-G-A.
Other names: c.2192C>T, p.Thr731Ile (NM_001081640.2); short protein forms T731I.
Identifiers: ClinVar variation 3225782 (VCV003225782.1), dbSNP rs2551878291, ClinGen allele CA371162712.